The following is an entry in ClinVar:

NM_000384.3(APOB):c.13095C>T (p.Asn4365=)

Gene: APOB (apolipoprotein B; minus strand). Cytogenetic location: 2p24.1.
Variant type: single nucleotide variant.
Coding change: c.13095C>T on transcript NM_000384.3 (MANE Select); coding-DNA position 13095, C replaced by T.
Protein change: p.Asn4365=; no amino-acid change (asparagine 4365 retained).
Molecular consequence: synonymous variant.
Genome position (GRCh38, 1-based): chr2:21,002,327, G>A on the plus strand (C>T on the coding strand, the complement: APOB is on the minus strand). VCF-style: chr2-21002327-G-A. GRCh37 (hg19) VCF-style: chr2-21225199-G-A.
Identifiers: ClinVar variation 490385 (VCV000490385.21), dbSNP rs13306203, ClinGen allele CA051837.

ClinVar aggregate classification (germline): Benign/Likely benign. Review status: criteria provided, multiple submitters, no conflicts (2 of 4 stars). 5 submissions from 5 submitters: Benign (1); Likely benign (4). Last evaluated 2026-07-22.

Conditions:
Familial hypercholesterolemia. Also called: Familial hypercholesterolemias; Familial hypercholesterolaemia. Identifiers: MedGen C0020445, MONDO:0005439.
Hypercholesterolemia, autosomal dominant, type B (FHCL2). Also called: Familial Hypercholesterolemia Type B; Hyperlipoproteinemia Type IIb; Familial hypercholesterolemia 2; APOB-Related Familial Hypercholesterolemia, Autosomal Dominant; HYPERCHOLESTEROLEMIA, FAMILIAL, DUE TO LIGAND-DEFECTIVE APOLIPOPROTEIN B; APOLIPOPROTEIN B-100, FAMILIAL DEFECTIVE. Identifiers: MedGen C1704417, MONDO:0007751, OMIM 144010.
Familial hypobetalipoproteinemia 1. Also called: Hypobetalipoproteinemia, normotriglyceridemic; Acanthocytosis with hypobetalipoproteinemia; APOB-Related Familial Hypobetalipoproteinemia. Identifiers: MedGen C4551990, MONDO:0014252, OMIM 615558.
Hypercholesterolemia, familial, 1. Also called: LDL RECEPTOR DISORDER; Hyperlipoproteinemia Type IIa; HYPER-LOW-DENSITY-LIPOPROTEINEMIA; HYPERCHOLESTEROLEMIC XANTHOMATOSIS, FAMILIAL; Fredrickson type IIa hyperlipoproteinemia; Hyperlipoproteinemia type 2. Identifiers: Orphanet 391665, MedGen C0745103, MONDO:0007750, OMIM 143890.
Cardiovascular phenotype. Identifiers: MedGen CN230736.

Allele frequency attached by ClinVar (database versions not stated): gnomAD 0.00005 and 0.00007; gnomAD exomes 0.00007 and 0.00016; ESP Exome Variant Server 0.00008; TOPMed 0.00014; ExAC 0.00016; 1000 Genomes Project 30x 0.00031; 1000 Genomes Project 0.00040.
gnomAD v4.1: 121 of 1,612,574 alleles (0.0075%); highest among the groups gnomAD compares: East Asian, 0.12%; no homozygotes.

Submissions (5):

GENinCode PLC
Classification: Likely benign for Familial hypercholesterolemia. Last evaluated: 2026-07-22. Review status: criteria provided, single submitter. Criteria: ACMG Guidelines, 2015. Collection method: clinical testing. Allele origin: germline.
Comment: This is a synonymous (silent) variant that is not predicted to impact splicing and occurs at a nucleotide which is not highly conserved. This variant has been classified as Likely Benign (BP4, BP7).

Labcorp Genetics (formerly Invitae), Labcorp
Classification: Benign for Familial hypobetalipoproteinemia 1; Hypercholesterolemia, autosomal dominant, type B. Last evaluated: 2025-10-21. Review status: criteria provided, single submitter. Criteria: Invitae Variant Classification Sherloc (09022015). Collection method: clinical testing. Allele origin: germline.

Blueprint Genetics
Classification: Likely benign. Last evaluated: 2024-04-18. Review status: criteria provided, single submitter. Criteria: ACMG Guidelines, 2015. Collection method: clinical testing. Allele origin: germline.

Ambry Genetics
Classification: Likely benign for Cardiovascular phenotype. Last evaluated: 2022-09-26. Review status: criteria provided, single submitter. Criteria: Ambry Variant Classification Scheme 2023. Collection method: clinical testing. Allele origin: germline.

Color Diagnostics, LLC DBA Color Health
Classification: Likely benign for Familial hypercholesterolemia. Last evaluated: 2017-09-20. Review status: criteria provided, single submitter. Criteria: ACMG Guidelines, 2015. Collection method: clinical testing. Allele origin: germline.